The following is an entry in ClinVar:

ClinVar aggregate classification (germline): Likely benign. Review status: reviewed by expert panel (3 of 4 stars). 3 submissions from 3 submitters: Likely benign (1). 2 of the submissions do not count toward it. Last evaluated 2024-06-24.

Conditions:
Inborn genetic diseases. Identifiers: MedGen C0950123, MeSH D030342.
Hereditary thrombocytopenia and hematological cancer predisposition syndrome associated with RUNX1. Also called: RUNX1 Familial Platelet Disorder with Associated Myeloid Malignancies; Familial Platelet Disorder with Propensity to Acute Myelogenous Leukemia; PLATELET DISORDER, ASPIRIN-LIKE; Familial thrombocytopenia with propensity to acute myelogenous leukemia. Identifiers: Orphanet 71290, MedGen C1832388, MeSH C563324, MONDO:0100083, OMIM 601399.
Hereditary thrombocytopenia and hematologic cancer predisposition syndrome. Identifiers: Orphanet 71290, MedGen CN281654, MONDO:0011071.

gnomAD v4.1: 4 of 1,537,512 alleles (0.00026%); highest among the groups gnomAD compares: East Asian, 0.0024%; no homozygotes.

Submissions (3):

ClinGen Myeloid Malignancy Variant Curation Expert Panel
Classification: Likely benign for Hereditary thrombocytopenia and hematologic cancer predisposition syndrome. Last evaluated: 2024-06-24. Review status: reviewed by expert panel. Criteria: ClinGen MyeloMalig ACMG Specifications v2. Collection method: curation. Allele origin: germline. Inheritance: Autosomal dominant inheritance.
Comment: NM_001754.5(RUNX1):c.1326C>T (p.Leu442=) is a synonymous variant that has a SpliceAI score ≤ 0.20 (0.00) (BP4). Evolutionary conservation prediction algorithms predict the site as not being conserved (PhyloP score 1.86 < 2.0) (BP7). The variant is not present in population databases (gnomAD v2.1 or v3.1.2) (PM2_supporting). In summary, this variant meets criteria to be classified as likely benign. ACMG/AMP criteria applied, as specified by the Myeloid Malignancy Variant Curation Expert Panel for RUNX1: BP4, BP7, PM2_supporting.

Ambry Genetics
Classification: Likely benign for Inborn genetic diseases. Last evaluated: 2025-02-17. Review status: criteria provided, single submitter. Criteria: Ambry Variant Classification Scheme 2023. Collection method: clinical testing. Allele origin: germline. Not counted in ClinVar's aggregate classification.

Labcorp Genetics (formerly Invitae), Labcorp
Classification: Likely benign for Hereditary thrombocytopenia and hematological cancer predisposition syndrome associated with RUNX1. Last evaluated: 2024-04-15. Review status: criteria provided, single submitter. Criteria: Invitae Variant Classification Sherloc (09022015). Collection method: clinical testing. Allele origin: germline. Not counted in ClinVar's aggregate classification.

NM_001754.5(RUNX1):c.1326C>T (p.Leu442=)

Gene: RUNX1 (RUNX family transcription factor 1; minus strand). Cytogenetic location: 21q22.12.
Variant type: single nucleotide variant.
Coding change: c.1326C>T on transcript NM_001754.5 (MANE Select); coding-DNA position 1326, C replaced by T.
Protein change: p.Leu442=; no amino-acid change (leucine 442 retained).
Molecular consequence: synonymous variant.
Genome position (GRCh38, 1-based): chr21:34,792,252, G>A on the plus strand (C>T on the coding strand, the complement: RUNX1 is on the minus strand). VCF-style: chr21-34792252-G-A. GRCh37 (hg19) VCF-style: chr21-36164549-G-A.
Other names: NM_001754.5(RUNX1):c.1326C>T; p.Leu442=; c.1245C>T, p.Leu415= (NM_001001890.3).
Identifiers: ClinVar variation 706782 (VCV000706782.10), dbSNP rs1601332286, ClinGen allele CA512341039.